The following is an entry in ClinVar:

ClinVar aggregate classification (germline): Uncertain significance (1 of 4 stars; one submission).

Submission:

Labcorp Genetics (formerly Invitae), Labcorp
Classification: Uncertain significance. Last evaluated: 2022-09-01. Review status: criteria provided, single submitter. Criteria: Invitae Variant Classification Sherloc (09022015). Collection method: clinical testing. Allele origin: germline.
Comment: This variant has not been reported in the literature in individuals affected with PIGV-related conditions. In summary, the available evidence is currently insufficient to determine the role of this variant in disease. Therefore, it has been classified as a Variant of Uncertain Significance. Experimental studies and prediction algorithms are not available or were not evaluated, and the functional significance of this variant is currently unknown. ClinVar contains an entry for this variant (Variation ID: 1475131). This variant is not present in population databases (gnomAD no frequency). This variant, c.671_673del, results in the deletion of 1 amino acid(s) of the PIGV protein (p.Ser224del), but otherwise preserves the integrity of the reading frame.

NM_017837.4(PIGV):c.671_673del (p.Ser224del)

Gene: PIGV (phosphatidylinositol glycan anchor biosynthesis class V; plus strand). Cytogenetic location: 1p36.11.
Variant type: Deletion.
Coding change: c.671_673del on transcript NM_017837.4 (MANE Select); coding-DNA positions 671 to 673, 3 bases deleted (CTC; older notation c.671_673delCTC).
Protein change: p.Ser224del; deletes serine 224.
Molecular consequence: inframe deletion. On other transcripts: non-coding transcript variant (1), intron variant (3).
Genome position (GRCh38, 1-based): chr1:26,794,705-26,794,707, CTC deleted. VCF-style (leftmost placement, unchanged base first): chr1-26794704-TCTC-T. GRCh37 (hg19) VCF-style: chr1-27121195-TCTC-T.
Other names: c.671_673del, p.Ser224del (NM_001202554.2, NM_001374478.1, NM_001374480.1 and 2 more transcripts); c.290_292del, p.Ser97del (NM_001374483.1); c.173-129_173-127del (NM_001374484.1, NM_001374485.1); c.79-2858_79-2856del (NM_001374486.1); short protein forms S97del, S224del.
Identifiers: ClinVar variation 1475131 (VCV001475131.8), dbSNP rs2124195736, ClinGen allele CA2573132226.
Genomic context (GRCh38, chr1:26,794,704, plus strand): 5'-TCCAACGGGCTGGTCAGTGTTGGCTTCCTCATGCATTCTCAATGCCAAGGCTTTTTCTCT[TCTC>T]TAACGATGCTGAATCCTCTGAGACAGCTCTTTAAGCTGATGGCCTCTCTGTTTCTGTCGG-3'